The following is an entry in ClinVar:

ClinVar aggregate classification (germline): Likely pathogenic (1 of 4 stars; one submission).

Conditions:
Duchenne muscular dystrophy (DMD). Also called: Duchenne Muscular Dystrophy (DMD); MUSCULAR DYSTROPHY, PSEUDOHYPERTROPHIC PROGRESSIVE, DUCHENNE TYPE. Identifiers: Orphanet 98896, MedGen C0013264, MONDO:0010679, OMIM 310200.

Submission:

3billion
Classification: Likely pathogenic for Duchenne muscular dystrophy. Last evaluated: 2025-08-20. Review status: criteria provided, single submitter. Criteria: ACMG Guidelines, 2015. Collection method: clinical testing. Allele origin: germline. Affected: yes.
Comment: The variant is not observed in the gnomAD v4.1.0 dataset. Predicted Consequence/Location: Frameshift: predicted to result in a loss or disruption of normal protein function through nonsense-mediated decay (NMD) or protein truncation. Multiple pathogenic variants are reported downstream of the variant. Therefore, this variant is classified as Likely pathogenic according to the recommendation of ACMG/AMP guideline.

NM_004006.3(DMD):c.10810del (p.Ala3604fs)

Gene: DMD (dystrophin; minus strand). Cytogenetic location: Xp21.2.
Variant type: Deletion.
Coding change: c.10810del on transcript NM_004006.3 (MANE Select); coding-DNA position 10810, one base deleted (G; older notation c.10810delG).
Protein change: p.Ala3604fs; shifts the reading frame from alanine 3604.
Molecular consequence: frameshift variant.
Genome position (GRCh38, 1-based): chrX:31,146,402, C deleted on the plus strand (G on the coding strand, the reverse complement: DMD is on the minus strand); the first of 2 consecutive C bases (chrX:31,146,402-31,146,403); deleting either gives the same sequence. VCF-style (leftmost placement, unchanged base first): chrX-31146401-GC-G. GRCh37 (hg19) VCF-style: chrX-31164518-GC-G.
Other names: c.10786del, p.Ala3596fs (NM_000109.4); c.10798del, p.Ala3600fs (NM_004009.3); c.10441del, p.Ala3481fs (NM_004010.3); c.6787del, p.Ala2263fs (NM_004011.4); c.6778del, p.Ala2260fs (NM_004012.4); c.3430del, p.Ala1144fs (NM_004013.3, NM_004021.3); c.2623del, p.Ala875fs (NM_004014.3); c.1606del, p.Ala536fs (NM_004015.3, NM_004016.3); and 3 more; short protein forms A1034fs, A1131fs, A1144fs, A2260fs, A2263fs, A3481fs, A3596fs, A3600fs.
Identifiers: ClinVar variation 4855685 (VCV004855685.1).